The following is an entry in ClinVar:

ClinVar aggregate classification (germline): Uncertain significance (1 of 4 stars; one submission).

Conditions:
ANKRD1-related dilated cardiomyopathy. Identifiers: MedGen CN119551.

Allele frequency attached by ClinVar (database versions not stated): TOPMed below 0.00001; gnomAD exomes 0.00003; ExAC 0.00004.
gnomAD v4.1: 17 of 1,614,040 alleles (0.0011%); highest among the groups gnomAD compares: Non-Finnish European, 0.0013%; no homozygotes.

Submission:

Labcorp Genetics (formerly Invitae), Labcorp
Classification: Uncertain significance for ANKRD1-related dilated cardiomyopathy. Last evaluated: 2021-04-24. Review status: criteria provided, single submitter. Criteria: Invitae Variant Classification Sherloc (09022015). Collection method: clinical testing. Allele origin: germline.
Comment: In summary, the available evidence is currently insufficient to determine the role of this variant in disease. Therefore, it has been classified as a Variant of Uncertain Significance. Algorithms developed to predict the effect of sequence changes on RNA splicing suggest that this variant may create or strengthen a splice site, but this prediction has not been confirmed by published transcriptional studies. This variant has not been reported in the literature in individuals with ANKRD1-related conditions. This variant is present in population databases (rs746973988, ExAC 0.008%). This sequence change affects codon 5 of the ANKRD1 mRNA. It is a 'silent' change, meaning that it does not change the encoded amino acid sequence of the ANKRD1 protein.

NM_014391.3(ANKRD1):c.15A>G (p.Lys5=)

Gene: ANKRD1 (ankyrin repeat domain 1; minus strand). Cytogenetic location: 10q23.31.
Variant type: single nucleotide variant.
Coding change: c.15A>G on transcript NM_014391.3 (MANE Select); coding-DNA position 15, A replaced by G.
Protein change: p.Lys5=; no amino-acid change (lysine 5 retained).
Molecular consequence: synonymous variant.
Genome position (GRCh38, 1-based): chr10:90,921,013, T>C on the plus strand (A>G on the coding strand, the complement: ANKRD1 is on the minus strand). VCF-style: chr10-90921013-T-C. GRCh37 (hg19) VCF-style: chr10-92680770-T-C.
Identifiers: ClinVar variation 1371737 (VCV001371737.8), dbSNP rs746973988, ClinGen allele CA5598879.